The following is an entry in ClinVar:

NM_001792.5(CDH2):c.1570C>G (p.Pro524Ala)

Gene: CDH2 (cadherin 2; minus strand). Cytogenetic location: 18q12.1.
Variant type: single nucleotide variant.
Coding change: c.1570C>G on transcript NM_001792.5 (MANE Select); coding-DNA position 1570, C replaced by G.
Protein change: p.Pro524Ala; replaces proline 524 with alanine.
Molecular consequence: missense variant.
Genome position (GRCh38, 1-based): chr18:27,990,125, G>C on the plus strand (C>G on the coding strand, the complement: CDH2 is on the minus strand). VCF-style: chr18-27990125-G-C. GRCh37 (hg19) VCF-style: chr18-25570089-G-C.
Other names: c.1477C>G, p.Pro493Ala (NM_001308176.2); short protein forms P493A, P524A.
Identifiers: ClinVar variation 2504184 (VCV002504184.3), dbSNP rs2510796817, ClinGen allele CA402108845.

ClinVar aggregate classification (germline): Uncertain significance. Review status: criteria provided, multiple submitters, no conflicts (2 of 4 stars). 2 submissions from 2 submitters: Uncertain significance (2). Last evaluated 2025-04-29.

Conditions:
CDH2-related disorder. Also called: CDH2-related condition.

Submissions (2):

GeneDx
Classification: Uncertain significance. Last evaluated: 2025-04-29. Review status: criteria provided, single submitter. Criteria: GeneDx Variant Classification Process June 2021. Collection method: clinical testing. Allele origin: germline. Affected: yes.
Comment: Not observed at significant frequency in large population cohorts (gnomAD); In silico analysis supports that this missense variant has a deleterious effect on protein structure/function; Has not been previously published as pathogenic or benign to our knowledge

PreventionGenetics, part of Exact Sciences
Classification: Uncertain significance for CDH2-related condition. Last evaluated: 2024-10-12. Review status: criteria provided, single submitter. Criteria: ACMG Guidelines, 2015. Collection method: clinical testing. Allele origin: germline.
Comment: The CDH2 c.1570C>G variant is predicted to result in the amino acid substitution p.Pro524Ala. To our knowledge, this variant has not been reported in the literature or in a large population database (gnomAD), indicating this variant is rare. At this time, the clinical significance of this variant is uncertain due to the absence of conclusive functional and genetic evidence.